The following is an entry in ClinVar:

ClinVar aggregate classification (germline): Uncertain significance. Review status: criteria provided, multiple submitters, no conflicts (2 of 4 stars). 2 submissions from 2 submitters: Uncertain significance (2). Last evaluated 2025-08-28.

Conditions:
Mowat-Wilson syndrome (MOWS). Also called: Classic Mowat-Wilson Syndrome. Identifiers: Orphanet 2152, MedGen C1856113, MONDO:0009341, OMIM 235730.
Inborn genetic diseases. Identifiers: MedGen C0950123, MeSH D030342.

Allele frequency attached by ClinVar (database versions not stated): gnomAD exomes below 0.00001.
gnomAD v4.1: 1 of 1,614,154 alleles (0.000062%); highest among the groups gnomAD compares: South Asian, 0.0011%; no homozygotes.

Submissions (2):

Ambry Genetics
Classification: Uncertain significance for Inborn genetic diseases. Last evaluated: 2025-08-28. Review status: criteria provided, single submitter. Criteria: Ambry Variant Classification Scheme 2023. Collection method: clinical testing. Allele origin: germline.

Labcorp Genetics (formerly Invitae), Labcorp
Classification: Uncertain significance for Mowat-Wilson syndrome. Last evaluated: 2023-07-10. Review status: criteria provided, single submitter. Criteria: Invitae Variant Classification Sherloc (09022015). Collection method: clinical testing. Allele origin: germline.
Comment: Advanced modeling of protein sequence and biophysical properties (such as structural, functional, and spatial information, amino acid conservation, physicochemical variation, residue mobility, and thermodynamic stability) performed at Invitae indicates that this missense variant is not expected to disrupt ZEB2 protein function. In summary, the available evidence is currently insufficient to determine the role of this variant in disease. Therefore, it has been classified as a Variant of Uncertain Significance. ClinVar contains an entry for this variant (Variation ID: 1952615). This sequence change replaces glycine, which is neutral and non-polar, with valine, which is neutral and non-polar, at codon 419 of the ZEB2 protein (p.Gly419Val). This variant is not present in population databases (gnomAD no frequency). This variant has not been reported in the literature in individuals affected with ZEB2-related conditions.

NM_014795.4(ZEB2):c.1256G>T (p.Gly419Val)

Gene: ZEB2 (zinc finger E-box binding homeobox 2; minus strand). Cytogenetic location: 2q22.3.
Variant type: single nucleotide variant.
Coding change: c.1256G>T on transcript NM_014795.4 (MANE Select); coding-DNA position 1256, G replaced by T.
Protein change: p.Gly419Val; replaces glycine 419 with valine.
Molecular consequence: missense variant.
Genome position (GRCh38, 1-based): chr2:144,399,931, C>A on the plus strand (G>T on the coding strand, the complement: ZEB2 is on the minus strand). VCF-style: chr2-144399931-C-A. GRCh37 (hg19) VCF-style: chr2-145157498-C-A.
Other names: c.1256G>T (NM_014795.3); c.1184G>T, p.Gly395Val (NM_001171653.2); short protein forms G419V, G395V.
Identifiers: ClinVar variation 1952615 (VCV001952615.6), dbSNP rs2549106971, ClinGen allele CA348712246.